The following is an entry in ClinVar:

ClinVar aggregate classification (germline): Uncertain significance (1 of 4 stars; one submission).

Conditions:
Congenital hyperammonemia, type I. Also called: Carbamoyl phosphate synthetase I deficiency disease; Carbamoyl phosphate synthetase 1 deficiency; Hyperammonemia due to carbamoyl phosphate synthetase 1 deficiency; CPS 1 deficiency; Carbamyl phosphate synthetase (CPS) deficiency; Carbamoyl-phosphate synthase I deficiency. Identifiers: Orphanet 147, MedGen C4082171, MONDO:0009376, OMIM 237300.

gnomAD v4.1: 7 of 1,603,796 alleles (0.00044%); highest among the groups gnomAD compares: Middle Eastern, 0.017%; no homozygotes.

Submission:

Labcorp Genetics (formerly Invitae), Labcorp
Classification: Uncertain significance for Congenital hyperammonemia, type I. Last evaluated: 2022-08-23. Review status: criteria provided, single submitter. Criteria: Invitae Variant Classification Sherloc (09022015). Collection method: clinical testing. Allele origin: germline.
Comment: This sequence change falls in intron 12 of the CPS1 gene. It does not directly change the encoded amino acid sequence of the CPS1 protein. It affects a nucleotide within the consensus splice site. This variant is present in population databases (no rsID available, gnomAD 0.003%). This variant has not been reported in the literature in individuals affected with CPS1-related conditions. Variants that disrupt the consensus splice site are a relatively common cause of aberrant splicing (PMID: 17576681, 9536098). Algorithms developed to predict the effect of sequence changes on RNA splicing suggest that this variant is not likely to affect RNA splicing. In summary, the available evidence is currently insufficient to determine the role of this variant in disease. Therefore, it has been classified as a Variant of Uncertain Significance.

Literature cited by the submitters: PubMed 17576681; PubMed 9536098.

NM_001875.5(CPS1):c.1264-3T>C

Gene: CPS1 (carbamoyl-phosphate synthase 1; plus strand). Cytogenetic location: 2q34.
Variant type: single nucleotide variant.
Coding change: c.1264-3T>C on transcript NM_001875.5 (MANE Select); 3 bases into the intron before coding-DNA position 1264, T replaced by C.
Molecular consequence: intron variant.
Genome position (GRCh38, 1-based): chr2:210,595,484, T>C. VCF-style: chr2-210595484-T-C. GRCh37 (hg19) VCF-style: chr2-211460208-T-C.
Other names: c.1264-3T>C (NM_001369257.1, NM_001122633.3); c.1297-3T>C (NM_001369256.1).
Identifiers: ClinVar variation 2069032 (VCV002069032.1), dbSNP rs1036044437, ClinGen allele CA64751804.
Genomic context (GRCh38, chr2:210,595,484, plus strand): 5'-TGAAAATGCCTTATTTCCCCCATTTTAGCAGTAATAACAGTGTCTTTTTCTTATTGCTTA[T>C]AGGTTTCCAAAGTCCTTATTCTAGGATCAGGAGGTCTGTCCATTGGTCAGGCTGGAGAAT-3'